The following is an entry in ClinVar:

NM_022124.6(CDH23):c.9935T>A (p.Leu3312Gln)

Gene: CDH23 (cadherin related 23; plus strand). Cytogenetic location: 10q22.1.
Variant type: single nucleotide variant.
Coding change: c.9935T>A on transcript NM_022124.6 (MANE Select); coding-DNA position 9935, T replaced by A.
Protein change: p.Leu3312Gln; replaces leucine 3312 with glutamine.
Molecular consequence: missense variant.
Genome position (GRCh38, 1-based): chr10:71,815,148, T>A. VCF-style: chr10-71815148-T-A. GRCh37 (hg19) VCF-style: chr10-73574905-T-A.
Other names: c.3215T>A, p.Leu1072Gln (NM_001171933.1); c.3110T>A, p.Leu1037Gln (NM_001171934.1); c.626T>A, p.Leu209Gln (NM_001171935.1); c.521T>A, p.Leu174Gln (NM_001171936.1); short protein forms L1037Q, L209Q, L174Q, L3312Q, L1072Q.
Identifiers: ClinVar variation 1413262 (VCV001413262.3), dbSNP rs371764852, ClinGen allele CA5547219.

ClinVar aggregate classification (germline): Uncertain significance (1 of 4 stars; one submission).

Allele frequency attached by ClinVar (database versions not stated): gnomAD 0.00001; TOPMed 0.00001; ESP Exome Variant Server 0.00008.
gnomAD v4.1: 27 of 1,611,412 alleles (0.0017%); highest among the groups gnomAD compares: Non-Finnish European, 0.0023%; no homozygotes.

Submission:

Labcorp Genetics (formerly Invitae), Labcorp
Classification: Uncertain significance. Last evaluated: 2021-11-11. Review status: criteria provided, single submitter. Criteria: Invitae Variant Classification Sherloc (09022015). Collection method: clinical testing. Allele origin: germline.
Comment: This sequence change replaces leucine, which is neutral and non-polar, with glutamine, which is neutral and polar, at codon 3312 of the CDH23 protein (p.Leu3312Gln). This variant is present in population databases (rs371764852, gnomAD 0.0009%). This variant has not been reported in the literature in individuals affected with CDH23-related conditions. Algorithms developed to predict the effect of missense changes on protein structure and function are either unavailable or do not agree on the potential impact of this missense change (SIFT: "Deleterious"; PolyPhen-2: "Not Available"; Align-GVGD: "Class C0"). Algorithms developed to predict the effect of sequence changes on RNA splicing suggest that this variant may create or strengthen a splice site. In summary, the available evidence is currently insufficient to determine the role of this variant in disease. Therefore, it has been classified as a Variant of Uncertain Significance.